The following is an entry in ClinVar:

ClinVar aggregate classification (germline): Uncertain significance. Review status: criteria provided, multiple submitters, no conflicts (2 of 4 stars). 2 submissions from 2 submitters: Uncertain significance (2). Last evaluated 2025-09-04.

Conditions:
Cardiovascular phenotype. Identifiers: MedGen CN230736.

Allele frequency attached by ClinVar (database versions not stated): TOPMed 0.00002; ExAC 0.00003; gnomAD 0.00003.
gnomAD v4.1: 49 of 1,610,334 alleles (0.003%); highest among the groups gnomAD compares: Non-Finnish European, 0.004%; no homozygotes.

Submissions (2):

Ambry Genetics
Classification: Uncertain significance for Cardiovascular phenotype. Last evaluated: 2025-09-04. Review status: criteria provided, single submitter. Criteria: Ambry Variant Classification Scheme 2023. Collection method: clinical testing. Allele origin: germline.
Comment: The p.L85R variant (also known as c.254T>G), located in coding exon 2 of the LMF1 gene, results from a T to G substitution at nucleotide position 254. The leucine at codon 85 is replaced by arginine, an amino acid with dissimilar properties. This amino acid position is conserved. In addition, this alteration is predicted to be deleterious by in silico analysis. Since supporting evidence is limited at this time, the clinical significance of this alteration remains unclear.

Labcorp Genetics (formerly Invitae), Labcorp
Classification: Uncertain significance. Last evaluated: 2021-12-24. Review status: criteria provided, single submitter. Criteria: Invitae Variant Classification Sherloc (09022015). Collection method: clinical testing. Allele origin: germline.
Comment: In summary, the available evidence is currently insufficient to determine the role of this variant in disease. Therefore, it has been classified as a Variant of Uncertain Significance. Algorithms developed to predict the effect of missense changes on protein structure and function are either unavailable or do not agree on the potential impact of this missense change (SIFT: "Deleterious"; PolyPhen-2: "Probably Damaging"; Align-GVGD: "Class C0"). This variant has not been reported in the literature in individuals affected with LMF1-related conditions. This variant is present in population databases (rs755734981, gnomAD 0.005%). This sequence change replaces leucine, which is neutral and non-polar, with arginine, which is basic and polar, at codon 85 of the LMF1 protein (p.Leu85Arg).

NM_022773.4(LMF1):c.254T>G (p.Leu85Arg)

Gene: LMF1 (lipase maturation factor 1; minus strand). Cytogenetic location: 16p13.3.
Variant type: single nucleotide variant.
Coding change: c.254T>G on transcript NM_022773.4 (MANE Select); coding-DNA position 254, T replaced by G.
Protein change: p.Leu85Arg; replaces leucine 85 with arginine.
Molecular consequence: missense variant. On other transcripts: 5 prime UTR variant (4), non-coding transcript variant (1).
Genome position (GRCh38, 1-based): chr16:954,606, A>C on the plus strand (T>G on the coding strand, the complement: LMF1 is on the minus strand). VCF-style: chr16-954606-A-C. GRCh37 (hg19) VCF-style: chr16-1004606-A-C.
Other names: c.-550T>G (NM_001352017.2); c.-301T>G (NM_001352018.2); c.-74T>G (NM_001352019.2); c.254T>G, p.Leu85Arg (NM_001352020.1); c.-452T>G (NM_001352021.2); short protein forms L85R.
Identifiers: ClinVar variation 1792940 (VCV001792940.8), dbSNP rs755734981, ClinGen allele CA7797704.